The following is an entry in ClinVar:

NM_024334.3(TMEM43):c.917T>C (p.Met306Thr)

Gene: TMEM43 (transmembrane protein 43; plus strand). Cytogenetic location: 3p25.1.
Variant type: single nucleotide variant.
Coding change: c.917T>C on transcript NM_024334.3 (MANE Select); coding-DNA position 917, T replaced by C.
Protein change: p.Met306Thr; replaces methionine 306 with threonine.
Molecular consequence: missense variant.
Genome position (GRCh38, 1-based): chr3:14,139,214, T>C. VCF-style: chr3-14139214-T-C. GRCh37 (hg19) VCF-style: chr3-14180714-T-C.
Other names: c.920T>C, p.Met307Thr (NM_001407274.1); c.914T>C, p.Met305Thr (NM_001407275.1, NM_001407276.1); c.911T>C, p.Met304Thr (NM_001407277.1); c.902T>C, p.Met301Thr (NM_001407278.1); c.842T>C, p.Met281Thr (NM_001407279.1); c.767T>C, p.Met256Thr (NM_001407280.1); short protein forms M256T, M281T, M304T, M305T, M306T, M301T, M307T.
Identifiers: ClinVar variation 1766084 (VCV001766084.3), dbSNP rs1695216941, ClinGen allele CA351536149.

ClinVar aggregate classification (germline): Uncertain significance. Review status: criteria provided, multiple submitters, no conflicts (2 of 4 stars). 2 submissions from 2 submitters: Uncertain significance (2). Last evaluated 2023-06-26.

Conditions:
Cardiovascular phenotype. Identifiers: MedGen CN230736.
Arrhythmogenic right ventricular dysplasia 5. Also called: Arrhythmogenic Right Ventricular Dysplasia/Cardiomyopathy 5; ARRHYTHMOGENIC RIGHT VENTRICULAR DYSPLASIA, FAMILIAL, 5. Identifiers: MedGen C1858379, MONDO:0011459, OMIM 604400.

Allele frequency attached by ClinVar (database versions not stated): gnomAD exomes below 0.00001.
gnomAD v4.1: 1 of 1,614,172 alleles (0.000062%); highest among the groups gnomAD compares: Admixed American, 0.0017%; no homozygotes.

Submissions (2):

All of Us Research Program, National Institutes of Health
Classification: Uncertain significance for Arrhythmogenic right ventricular dysplasia 5. Last evaluated: 2023-06-26. Review status: criteria provided, single submitter. Criteria: ACMG Guidelines, 2015. Collection method: clinical testing. Allele origin: germline. Inheritance: Autosomal dominant inheritance. Observed: 1 variant allele, 1 heterozygote.
Comment: This missense variant replaces methionine with threonine at codon 306 of the TMEM43 protein. Computational prediction suggests that this variant may not impact protein structure and function (internally defined REVEL score threshold <= 0.5, PMID: 27666373). To our knowledge, functional studies have not been reported for this variant. This variant has not been reported in individuals affected with TMEM43-related disorders in the literature. This variant has not been identified in the general population by the Genome Aggregation Database (gnomAD). The available evidence is insufficient to determine the role of this variant in disease conclusively. Therefore, this variant is classified as a Variant of Uncertain Significance.

This study involves interpretation of variants in research participants for the purpose of population health screening. Participant phenotype was not available at the time of variant classification. Additional details can be found in publication PMID: 35346344, PMCID: PMC8962531

Ambry Genetics
Classification: Uncertain significance for Cardiovascular phenotype. Last evaluated: 2022-01-19. Review status: criteria provided, single submitter. Criteria: Ambry Variant Classification Scheme 2023. Collection method: clinical testing. Allele origin: germline.
Comment: The p.M306T variant (also known as c.917T>C), located in coding exon 11 of the TMEM43 gene, results from a T to C substitution at nucleotide position 917. The methionine at codon 306 is replaced by threonine, an amino acid with similar properties. This amino acid position is conserved. In addition, this alteration is predicted to be tolerated by in silico analysis. Since supporting evidence is limited at this time, the clinical significance of this alteration remains unclear.